The following is an entry in ClinVar:

ClinVar aggregate classification (germline): Conflicting classifications of pathogenicity. Review status: criteria provided, conflicting classifications (1 of 4 stars). 3 submissions from 3 submitters: Uncertain significance (1); Likely benign (2). Last evaluated 2026-04-22.

gnomAD v4.1: 15 of 1,210,018 alleles (0.0012%); highest among the groups gnomAD compares: Non-Finnish European, 0.0017%; no homozygotes.

Submissions (3):

Dasa
Classification: Uncertain significance. Last evaluated: 2026-04-22. Review status: criteria provided, single submitter. Criteria: DASA Assertion Criteria. Collection method: clinical testing. Allele origin: germline.
Comment: NM_004606.5(TAF1):c.2619G>A (p.Thr873=) is a synonymous variant predicted not to alter the encoded amino acid sequence. This variant is rare in population databases. Computational prediction algorithms are consistent with a deleterious effect. The currently available literature and clinical evidence are not sufficient to establish a definitive association between this variant and the reported condition. Therefore, this variant is classified as a variant of uncertain significance.

Labcorp Genetics (formerly Invitae), Labcorp
Classification: Likely benign. Last evaluated: 2025-11-23. Review status: criteria provided, single submitter. Criteria: Invitae Variant Classification Sherloc (09022015). Collection method: clinical testing. Allele origin: germline.

Blueprint Genetics
Classification: Likely benign. Last evaluated: 2023-05-22. Review status: criteria provided, single submitter. Criteria: ACMG Guidelines, 2015. Collection method: clinical testing. Allele origin: germline.

NM_004606.5(TAF1):c.2619G>A (p.Thr873=)

Gene: TAF1 (TATA-box binding protein associated factor 1; plus strand). Cytogenetic location: Xq13.1.
Variant type: single nucleotide variant.
Coding change: c.2619G>A on transcript NM_004606.5 (MANE Select); coding-DNA position 2619, G replaced by A.
Protein change: p.Thr873=; no amino-acid change (threonine 873 retained).
Molecular consequence: synonymous variant. On other transcripts: non-coding transcript variant (9).
Genome position (GRCh38, 1-based): chrX:71,388,787, G>A. VCF-style: chrX-71388787-G-A. GRCh37 (hg19) VCF-style: chrX-70608637-G-A.
Other names: c.2619G>A, p.Thr873= (NM_001286074.2, NM_001440852.1, NM_001440853.1); c.2556G>A, p.Thr852= (NM_001440854.1, NM_138923.4).
Identifiers: ClinVar variation 4810883 (VCV004810883.4).
Genomic context (GRCh38, chrX:71,388,787, plus strand): 5'-GTCTTTTCCAGGGATGGACTCAAACTGGTGGGTGCTTAAGTCTGATTTTCGTTTACCAAC[G>A]GAAGAAGAGATCAGAGCTATGGTGTCACCAGAGCAGTGCTGTGCTTATTATAGCATGATA-3'
Protein context (NP_004597.3, residues 863-883): WVLKSDFRLP[Thr873=]EEEIRAMVSP